The following is an entry in ClinVar:

NM_177438.3(DICER1):c.1227T>C (p.Tyr409=)

Gene: DICER1 (dicer 1, ribonuclease III; minus strand). Cytogenetic location: 14q32.13.
Variant type: single nucleotide variant.
Coding change: c.1227T>C on transcript NM_177438.3 (MANE Select); coding-DNA position 1227, T replaced by C.
Protein change: p.Tyr409=; no amino-acid change (tyrosine 409 retained).
Molecular consequence: synonymous variant.
Genome position (GRCh38, 1-based): chr14:95,124,345, A>G on the plus strand (T>C on the coding strand, the complement: DICER1 is on the minus strand). VCF-style: chr14-95124345-A-G. GRCh37 (hg19) VCF-style: chr14-95590682-A-G.
Other names: c.1227T>C, p.Tyr409= (NM_001195573.1, NM_001271282.3, NM_001291628.2 and 1 more transcripts).
Identifiers: ClinVar variation 1566673 (VCV001566673.19), dbSNP rs767824722, ClinGen allele CA7331514.

ClinVar aggregate classification (germline): Benign/Likely benign. Review status: criteria provided, multiple submitters, no conflicts (2 of 4 stars). 5 submissions from 5 submitters: Benign (1); Likely benign (4). Last evaluated 2026-04-15.

Conditions:
DICER1-related tumor predisposition. Also called: DICER1-related pleuropulmonary blastoma cancer predisposition syndrome; DICER1 syndrome. Identifiers: Orphanet 284343, MedGen C3839822, MONDO:0100216.
Hereditary cancer-predisposing syndrome. Also called: Tumor predisposition; Neoplastic Syndromes, Hereditary; Hereditary Cancer Syndrome; Hereditary neoplastic syndrome. Identifiers: Orphanet 140162, MedGen C0027672, MeSH D009386, MONDO:0015356.

Allele frequency attached by ClinVar (database versions not stated): gnomAD exomes below 0.00001; TOPMed below 0.00001; ExAC 0.00001.
gnomAD v4.1: 1 of 1,614,010 alleles (0.000062%); highest among the groups gnomAD compares: African/African-American, 0.0013%; no homozygotes.

Submissions (5):

Myriad Genetics, Inc.
Classification: Benign for DICER1-related tumor predisposition. Last evaluated: 2026-04-15. Review status: criteria provided, single submitter. Criteria: Myriad Autosomal Dominant, Autosomal Recessive and X-Linked Classification Criteria (2023). Collection method: clinical testing. Allele origin: unknown.
Comment: This variant is considered benign. This variant is a silent/synonymous amino acid change and it is not expected to impact splicing.

CeGaT Center for Human Genetics Tuebingen
Classification: Likely benign. Last evaluated: 2025-08-01. Review status: criteria provided, single submitter. Criteria: CeGaT Center For Human Genetics Tuebingen Variant Classification Criteria Version 2. Collection method: clinical testing. Allele origin: germline. Affected: yes. Observed: 1 variant allele.
Comment: DICER1: BP4, BP7

Labcorp Genetics (formerly Invitae), Labcorp
Classification: Likely benign for DICER1-related tumor predisposition. Last evaluated: 2025-03-04. Review status: criteria provided, single submitter. Criteria: Invitae Variant Classification Sherloc (09022015). Collection method: clinical testing. Allele origin: germline.

Sema4
Classification: Likely benign for Hereditary cancer-predisposing syndrome. Last evaluated: 2021-02-23. Review status: criteria provided, single submitter. Criteria: Sema4 Curation Guidelines. Collection method: curation. Allele origin: germline.

Ambry Genetics
Classification: Likely benign for Hereditary cancer-predisposing syndrome. Last evaluated: 2020-06-10. Review status: criteria provided, single submitter. Criteria: Ambry Variant Classification Scheme 2023. Collection method: clinical testing. Allele origin: germline.